The following is an entry in ClinVar:

ClinVar aggregate classification (germline): Uncertain significance (1 of 4 stars; one submission).

Conditions:
Severe combined immunodeficiency due to DNA-PKcs deficiency. Also called: IMMUNODEFICIENCY 26 WITH NEUROLOGIC ABNORMALITIES; Immunodeficiency 26 with or without neurologic abnormalities. Identifiers: Orphanet 317425, MedGen C4014833, MONDO:0014423, OMIM 615966.

Allele frequency attached by ClinVar (database versions not stated): ExAC 0.00001; gnomAD exomes 0.00001.
gnomAD v4.1: 4 of 1,608,198 alleles (0.00025%); highest among the groups gnomAD compares: Admixed American, 0.0068%; no homozygotes.

Submission:

Labcorp Genetics (formerly Invitae), Labcorp
Classification: Uncertain significance for Severe combined immunodeficiency due to DNA-PKcs deficiency. Last evaluated: 2021-10-12. Review status: criteria provided, single submitter. Criteria: Invitae Variant Classification Sherloc (09022015). Collection method: clinical testing. Allele origin: germline.
Comment: This variant is present in population databases (rs749948848, ExAC 0.02%). This sequence change replaces alanine with threonine at codon 3171 of the PRKDC protein (p.Ala3171Thr). The alanine residue is moderately conserved and there is a small physicochemical difference between alanine and threonine. This variant has not been reported in the literature in individuals affected with PRKDC-related conditions. Algorithms developed to predict the effect of missense changes on protein structure and function output the following: SIFT: "Not Available"; PolyPhen-2: "Not Available"; Align-GVGD: "Not Available". The threonine amino acid residue is found in multiple mammalian species, which suggests that this missense change does not adversely affect protein function. In summary, the available evidence is currently insufficient to determine the role of this variant in disease. Therefore, it has been classified as a Variant of Uncertain Significance.

NM_006904.7(PRKDC):c.9511G>A (p.Ala3171Thr)

Gene: PRKDC (protein kinase, DNA-activated, catalytic subunit; minus strand). Cytogenetic location: 8q11.21.
Variant type: single nucleotide variant.
Coding change: c.9511G>A on transcript NM_006904.7 (MANE Select); coding-DNA position 9511, G replaced by A.
Protein change: p.Ala3171Thr; replaces alanine 3171 with threonine.
Molecular consequence: missense variant.
Genome position (GRCh38, 1-based): chr8:47,817,496, C>T on the plus strand (G>A on the coding strand, the complement: PRKDC is on the minus strand). VCF-style: chr8-47817496-C-T. GRCh37 (hg19) VCF-style: chr8-48730057-C-T.
Other names: c.9511G>A, p.Ala3171Thr (NM_001081640.2); short protein forms A3171T.
Identifiers: ClinVar variation 1386184 (VCV001386184.6), dbSNP rs749948848, ClinGen allele CA4739553.
Genomic context (GRCh38, chr8:47,817,496, plus strand): 5'-GGACCACGTCTTACCGATTTGTGATGATGTCATCCCAGATGTTCATTGGGTCCATTTTAG[C>T]ATCTGGATATCTGTTTGTCCAGGTGTTCAGAAGTCTCTTAAGGGGAACTTGAGATGATAA-3'
Protein context (NP_008835.5, residues 3161-3181): LNTWTNRYPD[Ala3171Thr]KMDPMNIWDD